The following is an entry in ClinVar:

ClinVar aggregate classification (germline): Uncertain significance (1 of 4 stars; one submission).

Conditions:
DiGeorge syndrome. Also called: THIRD AND FOURTH PHARYNGEAL POUCH SYNDROME; Catch22. Identifiers: Orphanet 567, MedGen C0012236, MONDO:0008564, OMIM 188400.

Allele frequency attached by ClinVar (database versions not stated): gnomAD 0.00001 and 0.00002; TOPMed 0.00001; ESP Exome Variant Server 0.00014.

Submission:

Labcorp Genetics (formerly Invitae), Labcorp
Classification: Uncertain significance for DiGeorge syndrome. Last evaluated: 2026-01-11. Review status: criteria provided, single submitter. Criteria: Invitae Variant Classification Sherloc (09022015). Collection method: clinical testing. Allele origin: germline.
Comment: This sequence change replaces alanine, which is neutral and non-polar, with valine, which is neutral and non-polar, at codon 482 of the TBX1 protein (p.Ala482Val). The frequency data for this variant in the population databases is considered unreliable, as metrics indicate poor data quality at this position in the gnomAD database. This variant has not been reported in the literature in individuals affected with TBX1-related conditions. This missense change has been observed in at least one individual who was not affected with TBX1-related conditions (internal data). ClinVar contains an entry for this variant (Variation ID: 1037870). An algorithm developed to predict the effect of missense changes on protein structure and function (PolyPhen-2) suggests that this variant is likely to be disruptive. In summary, the available evidence is currently insufficient to determine the role of this variant in disease. Therefore, it has been classified as a Variant of Uncertain Significance.

NM_001379200.1(TBX1):c.1472C>T (p.Ala491Val)

Gene: TBX1 (T-box transcription factor 1; plus strand). Cytogenetic location: 22q11.21.
Variant type: single nucleotide variant.
Coding change: c.1472C>T on transcript NM_001379200.1 (MANE Select); coding-DNA position 1472, C replaced by T.
Protein change: p.Ala491Val; replaces alanine 491 with valine.
Molecular consequence: missense variant. On other transcripts: intron variant (2).
Genome position (GRCh38, 1-based): chr22:19,766,824, C>T. VCF-style: chr22-19766824-C-T. GRCh37 (hg19) VCF-style: chr22-19754347-C-T.
Other names: c.1445C>T, p.Ala482Val (NM_080647.1); c.1009+822C>T (NM_005992.1, NM_080646.2); short protein forms A482V, A491V.
Identifiers: ClinVar variation 1037870 (VCV001037870.8), dbSNP rs373987708, ClinGen allele CA322059084.